The following is an entry in ClinVar:

NM_000059.4(BRCA2):c.4530C>T (p.Pro1510=)

Gene: BRCA2 (BRCA2 DNA repair associated; plus strand). Cytogenetic location: 13q13.1.
Variant type: single nucleotide variant.
Coding change: c.4530C>T on transcript NM_000059.4 (MANE Select); coding-DNA position 4530, C replaced by T.
Protein change: p.Pro1510=; no amino-acid change (proline 1510 retained).
Molecular consequence: synonymous variant.
Genome position (GRCh38, 1-based): chr13:32,338,885, C>T. VCF-style: chr13-32338885-C-T. GRCh37 (hg19) VCF-style: chr13-32913022-C-T.
Identifiers: ClinVar variation 377581 (VCV000377581.27), dbSNP rs757731214, ClinGen allele CA6940788.

ClinVar aggregate classification (germline): Likely benign. Review status: reviewed by expert panel (3 of 4 stars). 9 submissions from 9 submitters: Likely benign (1). 8 of the submissions do not count toward it. Last evaluated 2017-06-29.

Conditions:
BRCA2-related cancer predisposition. Identifiers: MedGen CN377758, MONDO:0700269.
Hereditary cancer-predisposing syndrome. Also called: Hereditary neoplastic syndrome; Tumor predisposition; Neoplastic Syndromes, Hereditary; Hereditary Cancer Syndrome. Identifiers: Orphanet 140162, MedGen C0027672, MeSH D009386, MONDO:0015356.
Hereditary breast ovarian cancer syndrome. Also called: Breast and ovarian cancer; Hereditary breast and ovarian cancer syndrome; Hereditary breast and ovarian cancer; Hereditary breast and/or ovarian cancer syndrome; Hereditary breast and ovarian cancer syndrome (HBOC); BRCA1- and BRCA2-Associated Hereditary Breast and Ovarian Cancer. Identifiers: Orphanet 145, MedGen C0677776, MeSH D061325, MONDO:0003582. Disease mechanism: loss of function.
Breast-ovarian cancer, familial, susceptibility to, 2 (BROVCA2). Also called: BRCA2 Hereditary Breast and Ovarian Cancer. Identifiers: Orphanet 145, MedGen C2675520, MONDO:0012933, OMIM 612555. Disease mechanism: loss of function.

Allele frequency attached by ClinVar (database versions not stated): gnomAD 0.00002; TOPMed 0.00002.
gnomAD v4.1: 21 of 1,613,630 alleles (0.0013%); highest among the groups gnomAD compares: Admixed American, 0.0033%; no homozygotes.

Submissions (9):

Evidence-based Network for the Interpretation of Germline Mutant Alleles (ENIGMA)
Classification: Likely benign for Breast-ovarian cancer, familial, susceptibility to, 2. Last evaluated: 2017-06-29. Review status: reviewed by expert panel. Criteria: ENIGMA BRCA1/2 Classification Criteria (2017-06-29). Collection method: curation. Allele origin: germline.
Comment: Synonymous substitution variant, with low bioinformatic likelihood to result in a splicing aberration (Splicing prior probability 0.02).

Labcorp Genetics (formerly Invitae), Labcorp
Classification: Likely benign for Hereditary breast ovarian cancer syndrome. Last evaluated: 2026-02-03. Review status: criteria provided, single submitter. Criteria: Invitae Variant Classification Sherloc (09022015). Collection method: clinical testing. Allele origin: germline. Not counted in ClinVar's aggregate classification.

Molecular Diagnostics Laboratory, Catalan Institute of Oncology
Classification: Likely benign for Hereditary cancer-predisposing syndrome. Last evaluated: 2024-09-04. Review status: criteria provided, single submitter. Criteria: ClinGen BRCA1BRCA2 ACMG Specifications BRCA2 V1.0.0. Collection method: clinical testing. Allele origin: germline. Not counted in ClinVar's aggregate classification.
Comment: BP1_Strong c.4530C>T, located in exon 11 of the BRCA2 gene, is predicted to result in no splicing alteration (according to SpliceAI) and no amino acid change, p.(Pro1510=). This position is outside a (potentially) clinically important functional domain and the SpliceAI algorithm predicts no significant impact on splicing (BP1_strong). This variant is found in 3/267334 alleles at a frequency of 0.001% in the gnomAD v2.1.1 database, non-cancer dataset. To our knowledge, neither relevant clinical data nor well-stablished functional studies have been reported for this variant. In addition, the variant has been identified in the ClinVar database (6x likely benign) and BRCA Exchange database (classified as likely benign), but it is not present in the LOVD database. Based on currently available information, the variant c.4530C>T should be considered a likely benign variant.

All of Us Research Program, National Institutes of Health
Classification: Likely benign for BRCA2-related cancer predisposition. Last evaluated: 2024-03-24. Review status: criteria provided, single submitter. Criteria: ACMG Guidelines, 2015. Collection method: clinical testing. Allele origin: germline. Inheritance: Autosomal dominant inheritance. Observed: 2 variant alleles, 2 heterozygotes. Not counted in ClinVar's aggregate classification.
Comment: This study involves interpretation of variants in research participants for the purpose of population health screening. Participant phenotype was not available at the time of variant classification. Additional details can be found in publication PMID: 35346344, PMCID: PMC8962531

Quest Diagnostics Nichols Institute San Juan Capistrano
Classification: Likely benign. Last evaluated: 2019-10-17. Review status: criteria provided, single submitter. Criteria: Quest Diagnostics criteria. Collection method: clinical testing. Allele origin: unknown. Not counted in ClinVar's aggregate classification.

Women's Health and Genetics/Laboratory Corporation of America, LabCorp
Classification: Likely benign. Last evaluated: 2019-08-21. Review status: criteria provided, single submitter. Criteria: LabCorp Variant Classification Summary - May 2015. Collection method: clinical testing. Allele origin: germline. Not counted in ClinVar's aggregate classification.

Color Diagnostics, LLC DBA Color Health
Classification: Likely benign for Hereditary cancer-predisposing syndrome. Last evaluated: 2017-02-10. Review status: criteria provided, single submitter. Criteria: ACMG Guidelines, 2015. Collection method: clinical testing. Allele origin: germline. Not counted in ClinVar's aggregate classification.

GeneDx
Classification: Likely benign. Last evaluated: 2016-02-17. Review status: criteria provided, single submitter. Criteria: GeneDx Variant Classification (06012015). Collection method: clinical testing. Allele origin: germline. Affected: yes. Not counted in ClinVar's aggregate classification.
Comment: This variant is considered likely benign or benign based on one or more of the following criteria: it is a conservative change, it occurs at a poorly conserved position in the protein, it is predicted to be benign by multiple in silico algorithms, and/or has population frequency not consistent with disease.

Ambry Genetics
Classification: Likely benign for Hereditary cancer-predisposing syndrome. Last evaluated: 2016-01-07. Review status: criteria provided, single submitter. Criteria: Ambry Variant Classification Scheme 2023. Collection method: clinical testing. Allele origin: germline. Not counted in ClinVar's aggregate classification.